The following is an entry in ClinVar:

ClinVar aggregate classification (germline): Pathogenic (1 of 4 stars; one submission).

Conditions:
LAMB2-related infantile-onset nephrotic syndrome. Also called: NEPHROTIC SYNDROME, TYPE 5, WITHOUT OCULAR ABNORMALITIES; NEPHROTIC SYNDROME, TYPE 5, WITH OCULAR ABNORMALITIES; Nephrotic Syndrome, type 5. Identifiers: Orphanet 306507, MedGen C3280113, MONDO:0013621, OMIM 614199.
Pierson syndrome. Also called: MICROCORIA-CONGENITAL NEPHROTIC SYNDROME. Identifiers: Orphanet 2670, MedGen C1836876, MONDO:0012184, OMIM 609049.

Submission:

Labcorp Genetics (formerly Invitae), Labcorp
Classification: Pathogenic for LAMB2-related infantile-onset nephrotic syndrome; Pierson syndrome. Last evaluated: 2024-01-08. Review status: criteria provided, single submitter. Criteria: Invitae Variant Classification Sherloc (09022015). Collection method: clinical testing. Allele origin: germline.
Comment: This sequence change creates a premature translational stop signal (p.Gly1073Alafs*78) in the LAMB2 gene. It is expected to result in an absent or disrupted protein product. Loss-of-function variants in LAMB2 are known to be pathogenic (PMID: 15367484). This variant is not present in population databases (gnomAD no frequency). This variant has not been reported in the literature in individuals affected with LAMB2-related conditions. For these reasons, this variant has been classified as Pathogenic.

Literature cited by the submitters: PubMed 15367484.

NM_002292.4(LAMB2):c.3218del (p.Gly1073fs)

Gene: LAMB2 (laminin subunit beta 2; minus strand). Cytogenetic location: 3p21.31.
Variant type: Deletion.
Coding change: c.3218del on transcript NM_002292.4 (MANE Select); coding-DNA position 3218, one base deleted (G; older notation c.3218delG).
Protein change: p.Gly1073fs; shifts the reading frame from glycine 1073.
Molecular consequence: frameshift variant.
Genome position (GRCh38, 1-based): chr3:49,124,504, C deleted on the plus strand (G on the coding strand, the reverse complement: LAMB2 is on the minus strand); the first of 3 consecutive C bases (chr3:49,124,504-49,124,506); deleting any one gives the same sequence. VCF-style (leftmost placement, unchanged base first): chr3-49124503-GC-G. GRCh37 (hg19) VCF-style: chr3-49161936-GC-G.
Other names: short protein forms G1073fs.
Identifiers: ClinVar variation 2944051 (VCV002944051.3), dbSNP rs2472539033, ClinGen allele CA2740094400.